The following is an entry in ClinVar:

ClinVar aggregate classification (germline): Uncertain significance (1 of 4 stars; one submission).

Submission:

Women's Health and Genetics/Laboratory Corporation of America, LabCorp
Classification: Uncertain significance. Last evaluated: 2024-04-17. Review status: criteria provided, single submitter. Criteria: LabCorp Variant Classification Summary - May 2015. Collection method: clinical testing. Allele origin: germline.
Comment: Variant summary: MYO7A c.3547C>A (p.Pro1183Thr) results in a non-conservative amino acid change located in the MyTH4 domain (IPR000857) of the encoded protein sequence. Three of five in-silico tools predict a damaging effect of the variant on protein function. The variant was absent in 249032 control chromosomes. The available data on variant occurrences in the general population are insufficient to allow any conclusion about variant significance. c.3547C>A has been reported in the literature as a presumed biallelic compound heterozygous genotype in at-least one individual within a cohort of patients clinically diagnosed with Usehr syndrome (example, Cremers_2007 cited in Neuhaus_2017). These data do not allow any conclusion about variant significance. To our knowledge, no experimental evidence demonstrating an impact on protein function has been reported. The following publications have been ascertained in the context of this evaluation (PMID: 16963483, 28944237). No submitters have cited clinical-significance assessments for this variant to ClinVar. Based on the evidence outlined above, the variant was classified as uncertain significance.

Literature cited by the submitters: PubMed 16963483; PubMed 28944237.

NM_000260.4(MYO7A):c.3547C>A (p.Pro1183Thr)

Gene: MYO7A (myosin VIIA; plus strand). Cytogenetic location: 11q13.5.
Variant type: single nucleotide variant.
Coding change: c.3547C>A on transcript NM_000260.4 (MANE Select); coding-DNA position 3547, C replaced by A.
Protein change: p.Pro1183Thr; replaces proline 1183 with threonine.
Molecular consequence: missense variant.
Genome position (GRCh38, 1-based): chr11:77,189,387, C>A. VCF-style: chr11-77189387-C-A. GRCh37 (hg19) VCF-style: chr11-76900432-C-A.
Other names: c.3547C>A, p.Pro1183Thr (NM_001127180.2); c.3514C>A, p.Pro1172Thr (NM_001369365.1); short protein forms P1172T, P1183T.
Identifiers: ClinVar variation 3250372 (VCV003250372.1), dbSNP rs2497342965.
Genomic context (GRCh38, chr11:77,189,387, plus strand): 5'-CCCTGCTGCCTGCCCAGGGACGAGATCTACTGCCAGATCAGCAAGCAGCTGACCCACAAC[C>A]CCTCCAAGAGCAGCTATGCCCGGGGCTGGATTCTCGTGTCTCTCTGCGTGGGCTGTTTCG-3'
Protein context (NP_000251.3, residues 1173-1193): CQISKQLTHN[Pro1183Thr]SKSSYARGWI